The following is an entry in ClinVar:

ClinVar aggregate classification (germline): Conflicting classifications of pathogenicity. Review status: criteria provided, conflicting classifications (1 of 4 stars). 5 submissions from 5 submitters: Uncertain significance (1); Benign (1); Likely benign (3). Last evaluated 2025-09-24.

Conditions:
Hereditary cancer-predisposing syndrome. Also called: Neoplastic Syndromes, Hereditary; Tumor predisposition; Hereditary Cancer Syndrome; Hereditary neoplastic syndrome. Identifiers: Orphanet 140162, MedGen C0027672, MeSH D009386, MONDO:0015356.
Tuberous sclerosis syndrome (TSC). Also called: Tuberous Sclerosis Complex; Tuberous sclerosis. Identifiers: Orphanet 805, MedGen C0041341, MONDO:0001734.
Tuberous sclerosis 1 (TSC1). Identifiers: Orphanet 805, MedGen C1854465, MONDO:0008612, OMIM 191100.

Allele frequency attached by ClinVar (database versions not stated): gnomAD exomes below 0.00001 and 0.00001; gnomAD 0.00001; TOPMed 0.00001.
gnomAD v4.1: 12 of 1,613,936 alleles (0.00074%); highest among the groups gnomAD compares: Non-Finnish European, 0.001%; no homozygotes.

Submissions (5):

Labcorp Genetics (formerly Invitae), Labcorp
Classification: Likely benign for Tuberous sclerosis 1. Last evaluated: 2025-09-24. Review status: criteria provided, single submitter. Criteria: Invitae Variant Classification Sherloc (09022015). Collection method: clinical testing. Allele origin: germline.

Myriad Genetics, Inc.
Classification: Benign for Tuberous sclerosis 1. Last evaluated: 2025-04-07. Review status: criteria provided, single submitter. Criteria: Myriad Autosomal Dominant, Autosomal Recessive and X-Linked Classification Criteria (2023). Collection method: clinical testing. Allele origin: unknown.
Comment: This variant is considered benign. This variant is a silent/synonymous amino acid change and it is not expected to impact splicing.

Quest Diagnostics Nichols Institute San Juan Capistrano
Classification: Uncertain significance. Last evaluated: 2025-03-19. Review status: criteria provided, single submitter. Criteria: Quest Diagnostics criteria. Collection method: clinical testing. Allele origin: unknown.

All of Us Research Program, National Institutes of Health
Classification: Likely benign for Tuberous sclerosis syndrome. Last evaluated: 2024-08-13. Review status: criteria provided, single submitter. Criteria: ACMG Guidelines, 2015. Collection method: clinical testing. Allele origin: germline. Inheritance: Autosomal dominant inheritance. Observed: 1 variant allele, 1 heterozygote.
Comment: This study involves interpretation of variants in research participants for the purpose of population health screening. Participant phenotype was not available at the time of variant classification. Additional details can be found in publication PMID: 35346344, PMCID: PMC8962531

Ambry Genetics
Classification: Likely benign for Hereditary cancer-predisposing syndrome. Last evaluated: 2021-09-16. Review status: criteria provided, single submitter. Criteria: Ambry Variant Classification Scheme 2023. Collection method: clinical testing. Allele origin: germline.

NM_000368.5(TSC1):c.177C>T (p.His59=)

Gene: TSC1 (TSC complex subunit 1; minus strand). Cytogenetic location: 9q34.13.
Variant type: single nucleotide variant.
Coding change: c.177C>T on transcript NM_000368.5 (MANE Select); coding-DNA position 177, C replaced by T.
Protein change: p.His59=; no amino-acid change (histidine 59 retained).
Molecular consequence: synonymous variant. On other transcripts: intron variant (1).
Genome position (GRCh38, 1-based): chr9:132,927,234, G>A on the plus strand (C>T on the coding strand, the complement: TSC1 is on the minus strand). VCF-style: chr9-132927234-G-A. GRCh37 (hg19) VCF-style: chr9-135802621-G-A.
Other names: c.177C>T, p.His59= (NM_001162426.2, NM_001162427.2); c.-153-1495C>T (NM_001362177.2).
Identifiers: ClinVar variation 1122919 (VCV001122919.14), dbSNP rs767647768, ClinGen allele CA200902339.